The following is an entry in ClinVar:

NM_003859.3(DPM1):c.566T>A (p.Leu189Ter)

Genes: ADNP-AS1 (ADNP antisense RNA 1; plus strand), DPM1 (dolichyl-phosphate mannosyltransferase subunit 1, catalytic; minus strand). Cytogenetic location: 20q13.13.
Variant type: single nucleotide variant.
Coding change: c.566T>A on transcript NM_003859.3 (MANE Select); coding-DNA position 566, T replaced by A.
Protein change: p.Leu189Ter; replaces leucine 189 with a stop codon.
Molecular consequence: nonsense. On other transcripts: non-coding transcript variant (1).
Genome position (GRCh38, 1-based): chr20:50,936,260, A>T on the plus strand (T>A on the coding strand, the complement: DPM1 is on the minus strand). VCF-style: chr20-50936260-A-T. GRCh37 (hg19) VCF-style: chr20-49552797-A-T.
Other names: c.671T>A, p.Leu224Ter (NM_001317034.1); c.647T>A, p.Leu216Ter (NM_001317035.1); c.497T>A, p.Leu166Ter (NM_001317036.1); short protein forms L224*, L166*, L216*, L189*.
Identifiers: ClinVar variation 3657851 (VCV003657851.2).
Genomic context (GRCh38, chr20:50,936,260, plus strand): 5'-AAGACGTAGCCTTTAGAAACACATTTTTCTATTAATTTCTCTAGAACTTCTTTTCGGTAT[A>T]ATCTGTAAGAAATTAAAAATATATATCAACTTCTGGATAAATACACATGCCTATGTATCC-3'

ClinVar aggregate classification (germline): Pathogenic (1 of 4 stars; one submission).

Conditions:
Congenital disorder of glycosylation type 1E (CDG1E). Also called: CONGENITAL DISORDER OF GLYCOSYLATION, TYPE Ie; CDG Ie. Identifiers: Orphanet 79322, MedGen C1837396, MONDO:0012123, OMIM 608799.

gnomAD v4.1: 1 of 1,577,172 alleles (0.000063%); highest among the groups gnomAD compares: South Asian, 0.0011%; no homozygotes.

Submission:

Labcorp Genetics (formerly Invitae), Labcorp
Classification: Pathogenic for Congenital disorder of glycosylation type 1E. Last evaluated: 2024-06-25. Review status: criteria provided, single submitter. Criteria: Invitae Variant Classification Sherloc (09022015). Collection method: clinical testing. Allele origin: germline.
Comment: This sequence change creates a premature translational stop signal (p.Leu189*) in the DPM1 gene. It is expected to result in an absent or disrupted protein product. Loss-of-function variants in DPM1 are known to be pathogenic (PMID: 10642597, 10642602). This variant is not present in population databases (gnomAD no frequency). This variant has not been reported in the literature in individuals affected with DPM1-related conditions. For these reasons, this variant has been classified as Pathogenic.

Literature cited by the submitters: PubMed 10642597; PubMed 10642602.